The following is an entry in ClinVar:

NM_001018113.3(FANCB):c.1774A>G (p.Lys592Glu)

Gene: FANCB (FA complementation group B; minus strand). Cytogenetic location: Xp22.2.
Variant type: single nucleotide variant.
Coding change: c.1774A>G on transcript NM_001018113.3 (MANE Select); coding-DNA position 1774, A replaced by G.
Protein change: p.Lys592Glu; replaces lysine 592 with glutamic acid.
Molecular consequence: missense variant.
Genome position (GRCh38, 1-based): chrX:14,845,009, T>C on the plus strand (A>G on the coding strand, the complement: FANCB is on the minus strand). VCF-style: chrX-14845009-T-C. GRCh37 (hg19) VCF-style: chrX-14863131-T-C.
Other names: c.1774A>G, p.Lys592Glu (NM_001324162.2, NM_001410764.1, NM_152633.4); short protein forms K592E.
Identifiers: ClinVar variation 3688936 (VCV003688936.2).
Genomic context (GRCh38, chrX:14,845,009, plus strand): 5'-CTTTAGGACAGTTACCACTTTCTCTCTCCATAATTTGTAGCAGTACAGTGCAACAAAATT[T>C]ACTGAATGTTAAAAGTGGTGAAAGAGATGTTACAGCAGTAATTATCTGTACACACTCTTT-3'
Protein context (NP_001018123.1, residues 582-602): TSLSPLLTFS[Lys592Glu]FCCTVLLQIM

ClinVar aggregate classification (germline): Uncertain significance (1 of 4 stars; one submission).

Conditions:
Fanconi anemia (FA). Also called: Fanconi's anemia. Identifiers: Orphanet 84, MedGen C0015625, MeSH D005199, MONDO:0019391.

Submission:

Labcorp Genetics (formerly Invitae), Labcorp
Classification: Uncertain significance for Fanconi anemia. Last evaluated: 2025-01-19. Review status: criteria provided, single submitter. Criteria: Invitae Variant Classification Sherloc (09022015). Collection method: clinical testing. Allele origin: germline.
Comment: This sequence change replaces lysine, which is basic and polar, with glutamic acid, which is acidic and polar, at codon 592 of the FANCB protein (p.Lys592Glu). This variant is not present in population databases (gnomAD no frequency). This variant has not been reported in the literature in individuals affected with FANCB-related conditions. Invitae Evidence Modeling of protein sequence and biophysical properties (such as structural, functional, and spatial information, amino acid conservation, physicochemical variation, residue mobility, and thermodynamic stability) indicates that this missense variant is not expected to disrupt FANCB protein function with a negative predictive value of 80%. In summary, the available evidence is currently insufficient to determine the role of this variant in disease. Therefore, it has been classified as a Variant of Uncertain Significance.